The following is an entry in ClinVar:

ClinVar aggregate classification (germline): Likely benign. Review status: criteria provided, multiple submitters, no conflicts (2 of 4 stars). 2 submissions from 2 submitters: Likely benign (2). Last evaluated 2025-03-28.

Conditions:
HSD17B4-related disorder. Also called: HSD17B4-related disorders; HSD17B4-related condition.
Perrault syndrome. Also called: Gonadal dysgenesis with auditory dysfunction, autosomal recessive inheritance. Identifiers: Orphanet 2855, MedGen C0685838, MONDO:0017312.
Bifunctional peroxisomal enzyme deficiency (DBIF). Also called: PBFE DEFICIENCY; D-bifunctional protein deficiency; DBP DEFICIENCY. Identifiers: Orphanet 300, MedGen C0342870, MONDO:0009855, OMIM 261515. Disease mechanism: loss of function.

Allele frequency attached by ClinVar (database versions not stated): gnomAD exomes below 0.00001.
gnomAD v4.1: 4 of 1,604,034 alleles (0.00025%); highest among the groups gnomAD compares: South Asian, 0.0033%; no homozygotes.

Submissions (2):

PreventionGenetics, part of Exact Sciences
Classification: Likely benign for HSD17B4-related condition. Last evaluated: 2025-03-28. Review status: criteria provided, single submitter. Criteria: ACMG Guidelines, 2015. Collection method: clinical testing. Allele origin: germline.
Comment: This variant is classified as likely benign based on ACMG/AMP sequence variant interpretation guidelines (Richards et al. 2015 PMID: 25741868, with internal and published modifications).

Labcorp Genetics (formerly Invitae), Labcorp
Classification: Likely benign for Perrault syndrome; Bifunctional peroxisomal enzyme deficiency. Last evaluated: 2024-02-25. Review status: criteria provided, single submitter. Criteria: Invitae Variant Classification Sherloc (09022015). Collection method: clinical testing. Allele origin: germline.

NM_000414.4(HSD17B4):c.1239A>G (p.Leu413=)

Gene: HSD17B4 (hydroxysteroid 17-beta dehydrogenase 4; plus strand). Cytogenetic location: 5q23.1.
Variant type: single nucleotide variant.
Coding change: c.1239A>G on transcript NM_000414.4 (MANE Select); coding-DNA position 1239, A replaced by G.
Protein change: p.Leu413=; no amino-acid change (leucine 413 retained).
Molecular consequence: synonymous variant. On other transcripts: non-coding transcript variant (2).
Genome position (GRCh38, 1-based): chr5:119,502,070, A>G. VCF-style: chr5-119502070-A-G. GRCh37 (hg19) VCF-style: chr5-118837765-A-G.
Other names: c.1239A>G (NM_000414.3); c.1314A>G, p.Leu438= (NM_001199291.3); c.1185A>G, p.Leu395= (NM_001199292.2); c.1167A>G, p.Leu389= (NM_001292027.2); c.819A>G, p.Leu273= (NM_001292028.2); c.1230A>G, p.Leu410= (NM_001374497.1); c.1239A>G, p.Leu413= (NM_001374498.1); c.912A>G, p.Leu304= (NM_001374499.1); and 2 more.
Identifiers: ClinVar variation 1617415 (VCV001617415.9), dbSNP rs2126790204, ClinGen allele CA446048892.
Genomic context (GRCh38, chr5:119,502,070, plus strand): 5'-TGCTAATAAAATTTTGTTTACCCTAACATAGGTTCTTCATGGAGAGCAGTACTTAGAGTT[A>G]TATAAACCACTTCCCAGAGCAGGTGAGTTATTGATATACTAATTCCATAATACCATACTT-3'
Protein context (NP_000405.1, residues 403-423): KVLHGEQYLE[Leu413=]YKPLPRAGKL